The following is an entry in ClinVar:

NM_198904.4(GABRG2):c.1202A>T (p.Asn401Ile)

Gene: GABRG2 (gamma-aminobutyric acid type A receptor subunit gamma2; plus strand). Cytogenetic location: 5q34.
Variant type: single nucleotide variant.
Coding change: c.1202A>T on transcript NM_198904.4 (MANE Select); coding-DNA position 1202, A replaced by T.
Protein change: p.Asn401Ile; replaces asparagine 401 with isoleucine.
Molecular consequence: missense variant. On other transcripts: 3 prime UTR variant (1).
Genome position (GRCh38, 1-based): chr5:162,153,142, A>T. VCF-style: chr5-162153142-A-T. GRCh37 (hg19) VCF-style: chr5-161580148-A-T.
Other names: c.1178A>T, p.Asn393Ile (NM_000816.3); c.1193A>T, p.Asn398Ile (NM_001375339.1); c.*36A>T (NM_001375340.1); c.1199A>T, p.Asn400Ile (NM_001375341.1); c.1175A>T, p.Asn392Ile (NM_001375342.1); c.1298A>T, p.Asn433Ile (NM_001375343.1); c.1241A>T, p.Asn414Ile (NM_001375344.1); c.1112A>T, p.Asn371Ile (NM_001375345.1); and 6 more; short protein forms N371I, N372I, N379I, N414I, N441I, N392I, N393I, N398I.
Identifiers: ClinVar variation 1437286 (VCV001437286.22), dbSNP rs778999273, ClinGen allele CA3544976.

ClinVar aggregate classification (germline): Uncertain significance. Review status: criteria provided, multiple submitters, no conflicts (2 of 4 stars). 2 submissions from 2 submitters: Uncertain significance (2). Last evaluated 2024-10-01.

Conditions:
EPILEPSY, CHILDHOOD ABSENCE, SUSCEPTIBILITY TO, 2 (ECA2). Identifiers: Orphanet 64280, MedGen C1843244, OMIM 607681.
Febrile seizures, familial, 8 (FEB8). Also called: CONVULSIONS, FAMILIAL FEBRILE, 8. Identifiers: Orphanet 36387, MedGen C1969810, MONDO:0011891, OMIM 607681.

Allele frequency attached by ClinVar (database versions not stated): gnomAD exomes below 0.00001 and 0.00004; ExAC 0.00001; gnomAD 0.00001; TOPMed 0.00001.
gnomAD v4.1: 55 of 1,613,962 alleles (0.0034%); highest among the groups gnomAD compares: Non-Finnish European, 0.0047%; no homozygotes.

Submissions (2):

CeGaT Center for Human Genetics Tuebingen
Classification: Uncertain significance. Last evaluated: 2024-10-01. Review status: criteria provided, single submitter. Criteria: CeGaT Center For Human Genetics Tuebingen Variant Classification Criteria Version 2. Collection method: clinical testing. Allele origin: germline. Affected: yes. Observed: 1 variant allele.

Labcorp Genetics (formerly Invitae), Labcorp
Classification: Uncertain significance for Febrile seizures, familial, 8; EPILEPSY, CHILDHOOD ABSENCE, SUSCEPTIBILITY TO, 2. Last evaluated: 2021-06-21. Review status: criteria provided, single submitter. Criteria: Invitae Variant Classification Sherloc (09022015). Collection method: clinical testing. Allele origin: germline.
Comment: This variant is present in population databases (rs778999273, ExAC 0.001%). This sequence change replaces asparagine with isoleucine at codon 393 of the GABRG2 protein (p.Asn393Ile). The asparagine residue is highly conserved and there is a large physicochemical difference between asparagine and isoleucine. This variant has not been reported in the literature in individuals with GABRG2-related conditions. In summary, the available evidence is currently insufficient to determine the role of this variant in disease. Therefore, it has been classified as a Variant of Uncertain Significance. Advanced modeling of protein sequence and biophysical properties (such as structural, functional, and spatial information, amino acid conservation, physicochemical variation, residue mobility, and thermodynamic stability) performed at Invitae indicates that this missense variant is expected to disrupt GABRG2 protein function.